The following is an entry in ClinVar:

NM_000836.4(GRIN2D):c.2752C>A (p.Pro918Thr)

Gene: GRIN2D (glutamate ionotropic receptor NMDA type subunit 2D; plus strand). Cytogenetic location: 19q13.33.
Variant type: single nucleotide variant.
Coding change: c.2752C>A on transcript NM_000836.4 (MANE Select); coding-DNA position 2752, C replaced by A.
Protein change: p.Pro918Thr; replaces proline 918 with threonine.
Molecular consequence: missense variant.
Genome position (GRCh38, 1-based): chr19:48,442,678, C>A. VCF-style: chr19-48442678-C-A. GRCh37 (hg19) VCF-style: chr19-48945935-C-A.
Other names: short protein forms P918T.
Identifiers: ClinVar variation 2990128 (VCV002990128.3), dbSNP rs2513691772, ClinGen allele CA406673455.

ClinVar aggregate classification (germline): Uncertain significance (1 of 4 stars; one submission).

Submission:

Labcorp Genetics (formerly Invitae), Labcorp
Classification: Uncertain significance. Last evaluated: 2023-11-27. Review status: criteria provided, single submitter. Criteria: Invitae Variant Classification Sherloc (09022015). Collection method: clinical testing. Allele origin: germline.
Comment: This sequence change replaces proline, which is neutral and non-polar, with threonine, which is neutral and polar, at codon 918 of the GRIN2D protein (p.Pro918Thr). This variant is not present in population databases (gnomAD no frequency). This variant has not been reported in the literature in individuals affected with GRIN2D-related conditions. Advanced modeling of protein sequence and biophysical properties (such as structural, functional, and spatial information, amino acid conservation, physicochemical variation, residue mobility, and thermodynamic stability) performed at Invitae indicates that this missense variant is not expected to disrupt GRIN2D protein function with a negative predictive value of 95%. In summary, the available evidence is currently insufficient to determine the role of this variant in disease. Therefore, it has been classified as a Variant of Uncertain Significance.